The following is an entry in ClinVar:

ClinVar aggregate classification (germline): Uncertain significance (1 of 4 stars; one submission).

gnomAD v4.1: 1 of 1,614,124 alleles (0.000062%); highest among the groups gnomAD compares: Non-Finnish European, 0.000085%; no homozygotes.

Submission:

Labcorp Genetics (formerly Invitae), Labcorp
Classification: Uncertain significance. Last evaluated: 2023-03-26. Review status: criteria provided, single submitter. Criteria: Invitae Variant Classification Sherloc (09022015). Collection method: clinical testing. Allele origin: germline.
Comment: In summary, the available evidence is currently insufficient to determine the role of this variant in disease. Therefore, it has been classified as a Variant of Uncertain Significance. Advanced modeling of protein sequence and biophysical properties (such as structural, functional, and spatial information, amino acid conservation, physicochemical variation, residue mobility, and thermodynamic stability) performed at Invitae indicates that this missense variant is expected to disrupt KCNH1 protein function. This variant has not been reported in the literature in individuals affected with KCNH1-related conditions. This variant is not present in population databases (gnomAD no frequency). This sequence change replaces histidine, which is basic and polar, with asparagine, which is neutral and polar, at codon 370 of the KCNH1 protein (p.His370Asn).

NM_172362.3(KCNH1):c.1108C>A (p.His370Asn)

Gene: KCNH1 (potassium voltage-gated channel subfamily H member 1; minus strand). Cytogenetic location: 1q32.2.
Variant type: single nucleotide variant.
Coding change: c.1108C>A on transcript NM_172362.3 (MANE Select); coding-DNA position 1108, C replaced by A.
Protein change: p.His370Asn; replaces histidine 370 with asparagine.
Molecular consequence: missense variant.
Genome position (GRCh38, 1-based): chr1:210,919,994, G>T on the plus strand (C>A on the coding strand, the complement: KCNH1 is on the minus strand). VCF-style: chr1-210919994-G-T. GRCh37 (hg19) VCF-style: chr1-211093336-G-T.
Other names: c.1027C>A, p.His343Asn (NM_002238.4); short protein forms H370N, H343N.
Identifiers: ClinVar variation 3013490 (VCV003013490.3), dbSNP rs2527120780, ClinGen allele CA344874002.